The following is an entry in ClinVar:

ClinVar aggregate classification (germline): Uncertain significance (1 of 4 stars; one submission).

Conditions:
Centromeric instability of chromosomes 1,9 and 16 and immunodeficiency (ICF1). Also called: CENTROMERIC INSTABILITY, IMMUNODEFICIENCY SYNDROME; Immunodeficiency-centromeric instability-facial anomalies; IMMUNE DEFICIENCY, VARIABLE, WITH CENTROMERIC INSTABILITY OF CHROMOSOMES 1, 9, AND 16; IMMUNODEFICIENCY SYNDROME, VARIABLE. Identifiers: Orphanet 2268, MedGen C0398788, MONDO:0000133.

Allele frequency attached by ClinVar (database versions not stated): TOPMed 0.00002; gnomAD 0.00003; 1000 Genomes Project 0.00020; 1000 Genomes Project 30x 0.00031.
gnomAD v4.1: 6 of 1,614,178 alleles (0.00037%); highest among the groups gnomAD compares: East Asian, 0.0022%; no homozygotes.

Submission:

Labcorp Genetics (formerly Invitae), Labcorp
Classification: Uncertain significance for Centromeric instability of chromosomes 1,9 and 16 and immunodeficiency. Last evaluated: 2022-02-24. Review status: criteria provided, single submitter. Criteria: Invitae Variant Classification Sherloc (09022015). Collection method: clinical testing. Allele origin: germline.
Comment: This sequence change replaces valine, which is neutral and non-polar, with methionine, which is neutral and non-polar, at codon 625 of the DNMT3B protein (p.Val625Met). This variant is present in population databases (rs201657518, gnomAD 0.005%). This variant has not been reported in the literature in individuals affected with DNMT3B-related conditions. ClinVar contains an entry for this variant (Variation ID: 851466). Algorithms developed to predict the effect of missense changes on protein structure and function are either unavailable or do not agree on the potential impact of this missense change (SIFT: "Deleterious"; PolyPhen-2: "Possibly Damaging"; Align-GVGD: "Class C15"). In summary, the available evidence is currently insufficient to determine the role of this variant in disease. Therefore, it has been classified as a Variant of Uncertain Significance.

NM_006892.4(DNMT3B):c.1873G>A (p.Val625Met)

Gene: DNMT3B (DNA methyltransferase 3 beta; plus strand). Cytogenetic location: 20q11.21.
Variant type: single nucleotide variant.
Coding change: c.1873G>A on transcript NM_006892.4 (MANE Select); coding-DNA position 1873, G replaced by A.
Protein change: p.Val625Met; replaces valine 625 with methionine.
Molecular consequence: missense variant.
Genome position (GRCh38, 1-based): chr20:32,800,266, G>A. VCF-style: chr20-32800266-G-A. GRCh37 (hg19) VCF-style: chr20-31388072-G-A.
Other names: c.1687G>A, p.Val563Met (NM_001207055.2); c.1585G>A, p.Val529Met (NM_001207056.2); c.1813G>A, p.Val605Met (NM_175848.2, NM_175849.2); c.1849G>A, p.Val617Met (NM_175850.3); short protein forms V529M, V563M, V625M, V605M, V617M.
Identifiers: ClinVar variation 851466 (VCV000851466.5), dbSNP rs201657518, ClinGen allele CA313155155.